The following is an entry in ClinVar:

ClinVar aggregate classification (germline): Likely pathogenic (1 of 4 stars; one submission).

Conditions:
Dilated cardiomyopathy 1G (CMD1G). Identifiers: Orphanet 154, MedGen C1858763, MONDO:0011400, OMIM 604145.
Autosomal recessive limb-girdle muscular dystrophy type 2J (LGMDR10). Also called: MUSCULAR DYSTROPHY, LIMB-GIRDLE, AUTOSOMAL RECESSIVE 10; Limb-girdle muscular dystrophy, type 2J. Identifiers: Orphanet 140922, MedGen C1837342, MONDO:0012127, OMIM 608807.

Submission:

Labcorp Genetics (formerly Invitae), Labcorp
Classification: Likely pathogenic for Dilated cardiomyopathy 1G; Autosomal recessive limb-girdle muscular dystrophy type 2J. Last evaluated: 2024-10-18. Review status: criteria provided, single submitter. Criteria: Invitae Variant Classification Sherloc (09022015). Collection method: clinical testing. Allele origin: germline.
Comment: This sequence change creates a premature translational stop signal (p.Ser4382Lysfs*36) in the TTN gene. While this is not anticipated to result in nonsense mediated decay, it is expected to create a truncated TTN protein. This variant is not present in population databases (gnomAD no frequency). This variant has not been reported in the literature in individuals affected with TTN-related conditions. ClinVar contains an entry for this variant (Variation ID: 566910). This variant is located in the I band of TTN (PMID: 25589632). Truncating variants in this region have been reported in individuals affected with autosomal recessive centronuclear myopathy (PMID: 23975875, internal data). Truncating variants in this region have also been identified in individuals affected with autosomal dominant dilated cardiomyopathy and/or cardio-related conditions (PMID: 27869827, 32964742, internal data). In summary, the currently available evidence indicates that the variant is pathogenic, but additional data are needed to prove that conclusively. Therefore, this variant has been classified as Likely Pathogenic.

Literature cited by the submitters: PubMed 25589632; PubMed 23975875; PubMed 27869827; PubMed 32964742.

NM_001267550.2(TTN):c.13144dup (p.Ser4382fs)

Gene: TTN (titin; minus strand). Cytogenetic location: 2q31.2.
Variant type: Duplication.
Coding change: c.13144dup on transcript NM_001267550.2 (MANE Select); coding-DNA position 13144, one base duplicated (A; older notation c.13144dupA).
Protein change: p.Ser4382fs; shifts the reading frame from serine 4382.
Molecular consequence: frameshift variant. On other transcripts: intron variant (1).
Genome position (GRCh38, 1-based): chr2:178,740,089, T duplicated on the plus strand (A on the coding strand, the reverse complement: TTN is on the minus strand); the first of 3 consecutive T bases (chr2:178,740,089-178,740,091); duplicating any one gives the same sequence. VCF-style (leftmost placement, unchanged base first): chr2-178740088-C-CT. GRCh37 (hg19) VCF-style: chr2-179604815-C-CT.
Other names: c.12193dup, p.Ser4065fs (NM_001256850.1); c.12055dup, p.Ser4019fs (NM_003319.4); c.12430dup, p.Ser4144fs (NM_133432.3); c.12631dup, p.Ser4211fs (NM_133437.4); c.10361-1731dup (NM_133378.4); c.13144dupA (NM_001267550.2); short protein forms S4019fs, S4065fs, S4211fs, S4382fs, S4144fs.
Identifiers: ClinVar variation 566910 (VCV000566910.9), dbSNP rs1560902834, ClinGen allele CA891842754.